The following is an entry in ClinVar:

ClinVar aggregate classification (germline): Uncertain significance (1 of 4 stars; one submission).

gnomAD v4.1: 6 of 1,210,506 alleles (0.0005%); highest among the groups gnomAD compares: East Asian, 0.003%; no homozygotes.

Submission:

Ambry Genetics
Classification: Uncertain significance. Last evaluated: 2026-01-09. Review status: criteria provided, single submitter. Criteria: Ambry Variant Classification Scheme 2023. Collection method: clinical testing. Allele origin: germline.
Comment: The c.150C>A (p.N50K) alteration is located in exon 3 (coding exon 3) of the BEX2 gene. This alteration results from a C to A substitution at nucleotide position 150, causing the asparagine (N) at amino acid position 50 to be replaced by a lysine (K). Based on data from gnomAD, the A allele has an overall frequency of 0.001% (2/182289) total alleles studied. The highest observed frequency was 0.007% (1/13832) of East Asian alleles. Based on insufficient or conflicting evidence, the clinical significance of this alteration remains unclear.

NM_032621.4(BEX2):c.54C>A (p.Asn18Lys)

Gene: BEX2 (brain expressed X-linked 2; minus strand). Cytogenetic location: Xq22.2.
Variant type: single nucleotide variant.
Coding change: c.54C>A on transcript NM_032621.4 (MANE Select); coding-DNA position 54, C replaced by A.
Protein change: p.Asn18Lys; replaces asparagine 18 with lysine.
Molecular consequence: missense variant.
Genome position (GRCh38, 1-based): chrX:103,309,923, G>T on the plus strand (C>A on the coding strand, the complement: BEX2 is on the minus strand). VCF-style: chrX-103309923-G-T. GRCh37 (hg19) VCF-style: chrX-102564851-G-T.
Other names: c.150C>A, p.Asn50Lys (NM_001168399.2); c.147C>A, p.Asn49Lys (NM_001168400.2); c.54C>A, p.Asn18Lys (NM_001168401.2); short protein forms N49K, N18K, N50K.
Identifiers: ClinVar variation 4839122 (VCV004839122.1).